The following is an entry in ClinVar:

NM_004859.4(CLTC):c.3832G>T (p.Val1278Leu)

Gene: CLTC (clathrin heavy chain; plus strand). Cytogenetic location: 17q23.1.
Variant type: single nucleotide variant.
Coding change: c.3832G>T on transcript NM_004859.4 (MANE Select); coding-DNA position 3832, G replaced by T.
Protein change: p.Val1278Leu; replaces valine 1278 with leucine.
Molecular consequence: missense variant.
Genome position (GRCh38, 1-based): chr17:59,682,973, G>T. VCF-style: chr17-59682973-G-T. GRCh37 (hg19) VCF-style: chr17-57760334-G-T.
Other names: c.3844G>T, p.Val1282Leu (NM_001288653.2); short protein forms V1282L, V1278L.
Identifiers: ClinVar variation 4740871 (VCV004740871.1).

ClinVar aggregate classification (germline): Uncertain significance (1 of 4 stars; one submission).

Submission:

Labcorp Genetics (formerly Invitae), Labcorp
Classification: Uncertain significance. Last evaluated: 2025-07-13. Review status: criteria provided, single submitter. Criteria: Invitae Variant Classification Sherloc (09022015). Collection method: clinical testing. Allele origin: germline.
Comment: This sequence change replaces valine, which is neutral and non-polar, with leucine, which is neutral and non-polar, at codon 1282 of the CLTC protein (p.Val1282Leu). This variant is not present in population databases (gnomAD no frequency). This variant has not been reported in the literature in individuals affected with CLTC-related conditions. Invitae Evidence Modeling of protein sequence and biophysical properties (such as structural, functional, and spatial information, amino acid conservation, physicochemical variation, residue mobility, and thermodynamic stability) indicates that this missense variant is not expected to disrupt CLTC protein function with a negative predictive value of 80%. In summary, the available evidence is currently insufficient to determine the role of this variant in disease. Therefore, it has been classified as a Variant of Uncertain Significance.